The following is an entry in ClinVar:

ClinVar aggregate classification (germline): Uncertain significance (1 of 4 stars; one submission).

gnomAD v4.1: 1 of 1,614,150 alleles (0.000062%); highest among the groups gnomAD compares: Non-Finnish European, 0.000085%; no homozygotes.

Submission:

Ambry Genetics
Classification: Uncertain significance. Last evaluated: 2024-01-17. Review status: criteria provided, single submitter. Criteria: Ambry Variant Classification Scheme 2023. Collection method: clinical testing. Allele origin: germline.
Comment: The p.D52H variant (also known as c.154G>C), located in coding exon 1 of the PALLD gene, results from a G to C substitution at nucleotide position 154. The aspartic acid at codon 52 is replaced by histidine, an amino acid with similar properties. This amino acid position is conserved. In addition, this alteration is predicted to be tolerated by in silico analysis. Based on the available evidence, the clinical significance of this alteration remains unclear.

NM_001166108.2(PALLD):c.154G>C (p.Asp52His)

Gene: PALLD (palladin, cytoskeletal associated protein; plus strand). Cytogenetic location: 4q32.3.
Variant type: single nucleotide variant.
Coding change: c.154G>C on transcript NM_001166108.2 (MANE Select); coding-DNA position 154, G replaced by C.
Protein change: p.Asp52His; replaces aspartic acid 52 with histidine.
Molecular consequence: missense variant.
Genome position (GRCh38, 1-based): chr4:168,511,658, G>C. VCF-style: chr4-168511658-G-C. GRCh37 (hg19) VCF-style: chr4-169432809-G-C.
Other names: c.154G>C, p.Asp52His (NM_016081.4); short protein forms D52H.
Identifiers: ClinVar variation 3226741 (VCV003226741.1), dbSNP rs539876255, ClinGen allele CA358724815.
Genomic context (GRCh38, chr4:168,511,658, plus strand): 5'-GCTTTCCTCAGCCAGGAAGAGATAAACAAGAGTCTTGACCTGGCCCGGAGAGCCATAGCC[G>C]ACTCCGAAACAGAAGATTTTGACTCGGAAAAGGAGATCTCGCAGATTTTCAGTACTTCTC-3'
Protein context (NP_001159580.1, residues 42-62): SLDLARRAIA[Asp52His]SETEDFDSEK